The following is an entry in ClinVar:

NM_000302.4(PLOD1):c.976-3C>T

Gene: PLOD1 (procollagen-lysine,2-oxoglutarate 5-dioxygenase 1; plus strand). Cytogenetic location: 1p36.22.
Variant type: single nucleotide variant.
Coding change: c.976-3C>T on transcript NM_000302.4 (MANE Select); 3 bases into the intron before coding-DNA position 976, C replaced by T.
Molecular consequence: intron variant.
Genome position (GRCh38, 1-based): chr1:11,960,643, C>T. VCF-style: chr1-11960643-C-T. GRCh37 (hg19) VCF-style: chr1-12020700-C-T.
Other names: c.1117-3C>T (NM_001316320.2).
Identifiers: ClinVar variation 1437817 (VCV001437817.7), dbSNP rs1198690797, ClinGen allele CA521201017.

ClinVar aggregate classification (germline): Uncertain significance. Review status: criteria provided, multiple submitters, no conflicts (2 of 4 stars). 2 submissions from 2 submitters: Uncertain significance (2). Last evaluated 2021-08-24.

Conditions:
Familial thoracic aortic aneurysm and aortic dissection (TAAD). Also called: Thoracic aortic aneurysms and dissections. Identifiers: Orphanet 91387, MedGen C4707243, MONDO:0019625.
Ehlers-Danlos syndrome, kyphoscoliotic type 1 (EDSKSCL1). Also called: EHLERS-DANLOS SYNDROME, TYPE VIA; EHLERS-DANLOS SYNDROME, OCULAR-SCOLIOTIC TYPE; PLOD1-Related Kyphoscoliotic Ehlers-Danlos Syndrome; Ehlers-Danlos syndrome, hydroxylysine-deficient. Identifiers: Orphanet 1900, MedGen C0268342, MONDO:0016002, OMIM 225400. Disease mechanism: loss of function.

Allele frequency attached by ClinVar (database versions not stated): gnomAD exomes below 0.00001 and 0.00001; TOPMed 0.00001.
gnomAD v4.1: 10 of 1,611,172 alleles (0.00062%); highest among the groups gnomAD compares: Middle Eastern, 0.02%; no homozygotes.

Submissions (2):

Labcorp Genetics (formerly Invitae), Labcorp
Classification: Uncertain significance for Ehlers-Danlos syndrome, kyphoscoliotic type 1. Last evaluated: 2021-08-24. Review status: criteria provided, single submitter. Criteria: Invitae Variant Classification Sherloc (09022015). Collection method: clinical testing. Allele origin: germline.
Comment: This sequence change falls in intron 9 of the PLOD1 gene. It does not directly change the encoded amino acid sequence of the PLOD1 protein. It affects a nucleotide within the consensus splice site of the intron. This variant is not present in population databases (ExAC no frequency). This variant has not been reported in the literature in individuals affected with PLOD1-related conditions. Variants that disrupt the consensus splice site are a relatively common cause of aberrant splicing (PMID: 17576681, 9536098). Algorithms developed to predict the effect of sequence changes on RNA splicing suggest that this variant is not likely to affect RNA splicing. In summary, the available evidence is currently insufficient to determine the role of this variant in disease. Therefore, it has been classified as a Variant of Uncertain Significance.

Ambry Genetics
Classification: Uncertain significance for Familial thoracic aortic aneurysm and aortic dissection. Last evaluated: 2020-07-23. Review status: criteria provided, single submitter. Criteria: Ambry Variant Classification Scheme 2023. Collection method: clinical testing. Allele origin: germline.
Comment: The c.976-3C>T intronic variant results from a C to T substitution 3 nucleotides upstream from coding exon 10 in the PLOD1 gene. This nucleotide position is well conserved in available vertebrate species. In silico splice site analysis predicts that this alteration will not have any significant effect on splicing. Since supporting evidence is limited at this time, the clinical significance of this alteration remains unclear.

Literature cited by the submitters: PubMed 17576681 (cited by Labcorp Genetics (formerly Invitae), Labcorp); PubMed 9536098 (cited by Labcorp Genetics (formerly Invitae), Labcorp).